The following is an entry in ClinVar:

NM_000264.5(PTCH1):c.106A>C (p.Thr36Pro)

Genes: PTCH1 (patched 1; minus strand), LOC130002133 (ATAC-STARR-seq lymphoblastoid silent region 20071; plus strand). Cytogenetic location: 9q22.32.
Variant type: single nucleotide variant.
Coding change: c.106A>C on transcript NM_000264.5 (MANE Select); coding-DNA position 106, A replaced by C.
Protein change: p.Thr36Pro; replaces threonine 36 with proline.
Molecular consequence: missense variant. On other transcripts: non-coding transcript variant (1), intron variant (3).
Genome position (GRCh38, 1-based): chr9:95,508,256, T>G on the plus strand (A>C on the coding strand, the complement: PTCH1 is on the minus strand). VCF-style: chr9-95508256-T-G. GRCh37 (hg19) VCF-style: chr9-98270538-T-G.
Other names: c.106A>C, p.Thr36Pro (NM_001354918.2); c.199-1657A>C (NM_001083603.3); c.4-1657A>C (NM_001083602.3, NM_001354919.2); c.106A>C (NM_000264.3); short protein forms T36P.
Identifiers: ClinVar variation 1020894 (VCV001020894.11), dbSNP rs1843898216, ClinGen allele CA374121418.

ClinVar aggregate classification (germline): Uncertain significance. Review status: criteria provided, multiple submitters, no conflicts (2 of 4 stars). 3 submissions from 3 submitters: Uncertain significance (3). Last evaluated 2026-07-13.

Conditions:
Gorlin syndrome. Also called: Nevoid Basal Cell Carcinoma Syndrome; Basal cell nevus syndrome. Identifiers: Orphanet 377, MedGen C0004779, MONDO:0007187.
Hereditary cancer-predisposing syndrome. Also called: Tumor predisposition; Hereditary Cancer Syndrome; Hereditary neoplastic syndrome; Neoplastic Syndromes, Hereditary. Identifiers: Orphanet 140162, MedGen C0027672, MeSH D009386, MONDO:0015356.

Allele frequency attached by ClinVar (database versions not stated): gnomAD exomes below 0.00001.
gnomAD v4.1: 1 of 1,597,674 alleles (0.000063%); highest among the groups gnomAD compares: Non-Finnish European, 0.000085%; no homozygotes.

Submissions (3):

Ambry Genetics
Classification: Uncertain significance for Hereditary cancer-predisposing syndrome. Last evaluated: 2026-07-13. Review status: criteria provided, single submitter. Criteria: Ambry Variant Classification Scheme 2023. Collection method: clinical testing. Allele origin: germline.
Comment: The p.T36P variant (also known as c.106A>C), located in coding exon 1 of the PTCH1 gene, results from an A to C substitution at nucleotide position 106. The threonine at codon 36 is replaced by proline, an amino acid with highly similar properties. This amino acid position is conserved. In addition, this alteration is predicted to be tolerated by in silico analysis. Based on the available evidence, the clinical significance of this variant remains unclear.

Center for Genomic Medicine, Rigshospitalet, Copenhagen University Hospital
Classification: Uncertain significance. Last evaluated: 2025-12-29. Review status: criteria provided, single submitter. Criteria: ACMG Guidelines, 2015. Collection method: clinical testing. Allele origin: germline.
Comment: Classification criteria: PM2

Labcorp Genetics (formerly Invitae), Labcorp
Classification: Uncertain significance for Gorlin syndrome. Last evaluated: 2020-09-17. Review status: criteria provided, single submitter. Criteria: Invitae Variant Classification Sherloc (09022015). Collection method: clinical testing. Allele origin: germline.
Comment: This variant has not been reported in the literature in individuals with PTCH1-related conditions. This variant is not present in population databases (ExAC no frequency). This sequence change replaces threonine with proline at codon 36 of the PTCH1 protein (p.Thr36Pro). The threonine residue is weakly conserved and there is a small physicochemical difference between threonine and proline. Advanced modeling of protein sequence and biophysical properties (such as structural, functional, and spatial information, amino acid conservation, physicochemical variation, residue mobility, and thermodynamic stability) performed at Invitae indicates that this missense variant is not expected to disrupt PTCH1 protein function. In summary, the available evidence is currently insufficient to determine the role of this variant in disease. Therefore, it has been classified as a Variant of Uncertain Significance.